The following is an entry in ClinVar:

ClinVar aggregate classification (germline): Uncertain significance (1 of 4 stars; one submission).

Conditions:
Inborn genetic diseases. Identifiers: MedGen C0950123, MeSH D030342.

Submission:

Ambry Genetics
Classification: Uncertain significance for Inborn genetic diseases. Last evaluated: 2025-11-24. Review status: criteria provided, single submitter. Criteria: Ambry Variant Classification Scheme 2023. Collection method: clinical testing. Allele origin: germline.
Comment: The c.882A>G (p.R294R) alteration is located in exon 10 (coding exon 10) of the DDX3X gene. This alteration consists of an A to G substitution at nucleotide position 882. This nucleotide substitution does not change the amino acid at codon 294. This variant was not reported in population-based cohorts in the Genome Aggregation Database (gnomAD). This nucleotide position is well conserved in available vertebrate species. In silico splice site analysis predicts that this alteration will result in the creation or strengthening of a novel splice acceptor site. Based on insufficient or conflicting evidence, the clinical significance of this alteration remains unclear.

NM_001356.5(DDX3X):c.882A>G (p.Arg294=)

Gene: DDX3X (DEAD-box helicase 3 X-linked; plus strand). Cytogenetic location: Xp11.4.
Variant type: single nucleotide variant.
Coding change: c.882A>G on transcript NM_001356.5 (MANE Select); coding-DNA position 882, A replaced by G.
Protein change: p.Arg294=; no amino-acid change (arginine 294 retained).
Molecular consequence: synonymous variant. On other transcripts: non-coding transcript variant (1).
Genome position (GRCh38, 1-based): chrX:41,344,256, A>G. VCF-style: chrX-41344256-A-G. GRCh37 (hg19) VCF-style: chrX-41203509-A-G.
Other names: c.882A>G, p.Arg294= (NM_001193416.3); c.834A>G, p.Arg278= (NM_001193417.3); c.324A>G, p.Arg108= (NM_001363819.1).
Identifiers: ClinVar variation 4617102 (VCV004617102.1).
Genomic context (GRCh38, chrX:41,344,256, plus strand): 5'-AAAATTTTGACCTTGAAGTTCATAACATTTTTTTTGCTTATAGTTTTCATACCGATCTAG[A>G]GTTCGTCCTTGCGTGGTTTATGGTGGTGCCGATATTGGTCAGCAGATTCGAGACTTGGAA-3'
Protein context (NP_001347.3, residues 284-304): EEARKFSYRS[Arg294=]VRPCVVYGGA